The following is an entry in ClinVar:

ClinVar aggregate classification (germline): Likely benign. Review status: criteria provided, multiple submitters, no conflicts (2 of 4 stars). 2 submissions from 2 submitters: Likely benign (2). Last evaluated 2026-06-26.

Conditions:
Sessile serrated polyposis cancer syndrome (SSPCS). Identifiers: Orphanet 157798, MedGen C4310714, MONDO:0014919, OMIM 617108.

gnomAD v4.1: 4 of 1,605,870 alleles (0.00025%); highest among the groups gnomAD compares: South Asian, 0.0044%; no homozygotes.

Submissions (2):

Myriad Genetics, Inc.
Classification: Likely benign for Sessile serrated polyposis cancer syndrome. Last evaluated: 2026-06-26. Review status: criteria provided, single submitter. Criteria: Myriad Autosomal Dominant, Autosomal Recessive and X-Linked Classification Criteria (2023). Collection method: clinical testing. Allele origin: unknown.
Comment: This variant is considered likely benign. This variant is intronic and is not expected to impact mRNA splicing.

Center for Genomic Medicine, Rigshospitalet, Copenhagen University Hospital
Classification: Likely benign. Last evaluated: 2025-03-04. Review status: criteria provided, single submitter. Criteria: ACMG Guidelines, 2015. Collection method: clinical testing. Allele origin: germline.
Comment: Classification criteria: BP4

NM_017763.6(RNF43):c.850-15C>T

Gene: RNF43 (ring finger protein 43; minus strand). Cytogenetic location: 17q22.
Variant type: single nucleotide variant.
Coding change: c.850-15C>T on transcript NM_017763.6 (MANE Select); 15 bases into the intron before coding-DNA position 850, C replaced by T.
Molecular consequence: intron variant.
Genome position (GRCh38, 1-based): chr17:58,360,266, G>A on the plus strand (C>T on the coding strand, the complement: RNF43 is on the minus strand). VCF-style: chr17-58360266-G-A. GRCh37 (hg19) VCF-style: chr17-56437627-G-A.
Other names: c.850-15C>T (NM_001438822.1, NM_001305544.3, NM_001438820.1 and 1 more transcripts); c.469-15C>T (NM_001305545.2, NM_001437987.1).
Identifiers: ClinVar variation 3765094 (VCV003765094.2).